The following is an entry in ClinVar:

NM_001164508.2(NEB):c.9959A>T (p.Lys3320Met)

Gene: NEB (nebulin; minus strand). Cytogenetic location: 2q23.3.
Variant type: single nucleotide variant.
Coding change: c.9959A>T on transcript NM_001164508.2 (MANE Select); coding-DNA position 9959, A replaced by T.
Protein change: p.Lys3320Met; replaces lysine 3320 with methionine.
Molecular consequence: missense variant.
Genome position (GRCh38, 1-based): chr2:151,627,707, T>A on the plus strand (A>T on the coding strand, the complement: NEB is on the minus strand). VCF-style: chr2-151627707-T-A. GRCh37 (hg19) VCF-style: chr2-152484221-T-A.
Other names: c.9959A>T, p.Lys3320Met (NM_001164507.2, NM_001271208.2); c.9230A>T, p.Lys3077Met (NM_004543.5); short protein forms K3077M, K3320M.
Identifiers: ClinVar variation 1009828 (VCV001009828.7), dbSNP rs373285394, ClinGen allele CA1909153.

ClinVar aggregate classification (germline): Uncertain significance. Review status: criteria provided, multiple submitters, no conflicts (2 of 4 stars). 3 submissions from 3 submitters: Uncertain significance (2). 1 of the submissions does not count toward it. Last evaluated 2023-12-12.

Conditions:
Nemaline myopathy 2 (NEM2). Also called: Nemaline myopathy 2, autosomal recessive. Identifiers: MedGen C1850569, MONDO:0009725, OMIM 256030.

Allele frequency attached by ClinVar (database versions not stated): TOPMed 0.00001; gnomAD exomes below 0.00001; ExAC 0.00001; ESP Exome Variant Server 0.00016.
gnomAD v4.1: 3 of 1,613,958 alleles (0.00019%); highest among the groups gnomAD compares: African/African-American, 0.0027%; no homozygotes.

Submissions (3):

Revvity Omics, Revvity
Classification: Uncertain significance. Last evaluated: 2023-12-12. Review status: criteria provided, single submitter. Criteria: ACMG Guidelines, 2015. Collection method: clinical testing. Allele origin: germline.

Labcorp Genetics (formerly Invitae), Labcorp
Classification: Uncertain significance for Nemaline myopathy 2. Last evaluated: 2022-03-03. Review status: criteria provided, single submitter. Criteria: Invitae Variant Classification Sherloc (09022015). Collection method: clinical testing. Allele origin: germline.
Comment: This sequence change replaces lysine, which is basic and polar, with methionine, which is neutral and non-polar, at codon 3320 of the NEB protein (p.Lys3320Met). This variant is present in population databases (rs373285394, gnomAD 0.007%). This variant has not been reported in the literature in individuals affected with NEB-related conditions. ClinVar contains an entry for this variant (Variation ID: 1009828). Algorithms developed to predict the effect of missense changes on protein structure and function are either unavailable or do not agree on the potential impact of this missense change (SIFT: "Deleterious"; PolyPhen-2: "Not Available"; Align-GVGD: "Class C0"). In summary, the available evidence is currently insufficient to determine the role of this variant in disease. Therefore, it has been classified as a Variant of Uncertain Significance.

Natera, Inc.
Classification: Uncertain significance for Nemaline myopathy type 2. Last evaluated: 2020-01-24. Review status: no assertion criteria provided. Collection method: clinical testing. Allele origin: germline. Not counted in ClinVar's aggregate classification.